The following is an entry in ClinVar:

NM_001377.3(DYNC2H1):c.5014T>C (p.Tyr1672His)

Gene: DYNC2H1 (dynein cytoplasmic 2 heavy chain 1; plus strand). Cytogenetic location: 11q22.3.
Variant type: single nucleotide variant.
Coding change: c.5014T>C on transcript NM_001377.3 (MANE Select); coding-DNA position 5014, T replaced by C.
Protein change: p.Tyr1672His; replaces tyrosine 1672 with histidine.
Molecular consequence: missense variant.
Genome position (GRCh38, 1-based): chr11:103,170,153, T>C. VCF-style: chr11-103170153-T-C. GRCh37 (hg19) VCF-style: chr11-103040882-T-C.
Other names: c.5014T>C, p.Tyr1672His (NM_001080463.2); short protein forms Y1672H.
Identifiers: ClinVar variation 2121584 (VCV002121584.4), dbSNP rs1184147933, ClinGen allele CA382240989.

ClinVar aggregate classification (germline): Uncertain significance (1 of 4 stars; one submission).

Conditions:
Jeune thoracic dystrophy. Also called: Infantile thoracic dystrophy; Thoracic pelvic phalangeal dystrophy; Jeune's syndrome; Chondroectodermal dysplasia-like syndrome; Short-rib thoracic dysplasia; Jeune syndrome. Identifiers: Orphanet 474, MedGen C0265275, MONDO:0018770.

Allele frequency attached by ClinVar (database versions not stated): gnomAD exomes below 0.00001; TOPMed below 0.00001; gnomAD 0.00001.
gnomAD v4.1: 2 of 1,613,008 alleles (0.00012%); highest among the groups gnomAD compares: Non-Finnish European, 0.00017%; no homozygotes.

Submission:

Labcorp Genetics (formerly Invitae), Labcorp
Classification: Uncertain significance for Jeune thoracic dystrophy. Last evaluated: 2022-04-04. Review status: criteria provided, single submitter. Criteria: Invitae Variant Classification Sherloc (09022015). Collection method: clinical testing. Allele origin: germline.
Comment: This sequence change replaces tyrosine, which is neutral and polar, with histidine, which is basic and polar, at codon 1672 of the DYNC2H1 protein (p.Tyr1672His). This variant is not present in population databases (gnomAD no frequency). This variant has not been reported in the literature in individuals affected with DYNC2H1-related conditions. Advanced modeling of protein sequence and biophysical properties (such as structural, functional, and spatial information, amino acid conservation, physicochemical variation, residue mobility, and thermodynamic stability) performed at Invitae indicates that this missense variant is not expected to disrupt DYNC2H1 protein function. In summary, the available evidence is currently insufficient to determine the role of this variant in disease. Therefore, it has been classified as a Variant of Uncertain Significance.